The following is an entry in ClinVar:

NM_016642.4(SPTBN5):c.3129G>A (p.Lys1043=)

Gene: SPTBN5 (spectrin beta, non-erythrocytic 5; minus strand). Cytogenetic location: 15q15.1.
Variant type: single nucleotide variant.
Coding change: c.3129G>A on transcript NM_016642.4 (MANE Select); coding-DNA position 3129, G replaced by A.
Protein change: p.Lys1043=; no amino-acid change (lysine 1043 retained).
Molecular consequence: synonymous variant.
Genome position (GRCh38, 1-based): chr15:41,879,313, C>T on the plus strand (G>A on the coding strand, the complement: SPTBN5 is on the minus strand). VCF-style: chr15-41879313-C-T. GRCh37 (hg19) VCF-style: chr15-42171511-C-T.
Identifiers: ClinVar variation 2645228 (VCV002645228.24), dbSNP rs2547959815, ClinGen allele CA489995939.

ClinVar aggregate classification (germline): Likely benign (1 of 4 stars; one submission).

Submission:

CeGaT Center for Human Genetics Tuebingen
Classification: Likely benign. Last evaluated: 2023-04-01. Review status: criteria provided, single submitter. Criteria: CeGaT Center For Human Genetics Tuebingen Variant Classification Criteria Version 2. Collection method: clinical testing. Allele origin: germline. Affected: yes. Observed: 1 variant allele.
Comment: SPTBN5: PM2:Supporting, BP4, BP7